The following is an entry in ClinVar:

NM_004004.6(GJB2):c.-23G>T

Gene: GJB2 (gap junction protein beta 2; minus strand). Cytogenetic location: 13q12.11.
Variant type: single nucleotide variant.
Coding change: c.-23G>T on transcript NM_004004.6 (MANE Select); 23 bases upstream of the start codon, G replaced by T.
Molecular consequence: 5 prime UTR variant.
Genome position (GRCh38, 1-based): chr13:20,192,783, C>A on the plus strand (G>T on the coding strand, the complement: GJB2 is on the minus strand). VCF-style: chr13-20192783-C-A. GRCh37 (hg19) VCF-style: chr13-20766922-C-A.
Identifiers: ClinVar variation 189155 (VCV000189155.16), dbSNP rs786204734, ClinGen allele CA274431.

ClinVar aggregate classification (germline): Conflicting classifications of pathogenicity. Review status: criteria provided, conflicting classifications (1 of 4 stars). 10 submissions from 10 submitters: Likely pathogenic (6); Uncertain significance (2). 2 of the submissions do not count toward it. Last evaluated 2025-11-25.

Conditions:
Palmoplantar keratoderma-deafness syndrome. Also called: Keratoderma palmoplantar, with deafness; Palmoplantar keratoderma and sensorineural deafness; Hereditary palmoplantar keratoderma with deafness (subtype); Focal palmoplantar keratoderma with sensorineural deafness (subtype); Diffuse palmoplantar keratoderma with deafness (subtype). Identifiers: Orphanet 2202, MedGen C1835672, MONDO:0007852, OMIM 148350.
Knuckle pads, deafness AND leukonychia syndrome. Also called: Bart-Pumphrey syndrome. Identifiers: Orphanet 2698, MedGen C0266004, MONDO:0007866, OMIM 149200.
Mutilating keratoderma (VOWNKL). Also called: Keratoderma hereditarium mutilans. Identifiers: Orphanet 494, MedGen C0265964, MONDO:0007422, OMIM 124500.
Rare genetic deafness. Identifiers: Orphanet 96210, MedGen C5680250.
GJB2-related disorder. Also called: GJB2-related condition; GJB2-related disorders. Identifiers: MedGen CN382183, MONDO:1060236.
Hearing loss. Identifiers: MedGen C3887873.
Autosomal dominant keratitis-ichthyosis-hearing loss syndrome. Also called: Senter syndrome; KID SYNDROME, AUTOSOMAL DOMINANT; HID SYNDROME. Identifiers: Orphanet 477, MedGen C0265336, MONDO:0007850, OMIM 148210.
Autosomal recessive nonsyndromic hearing loss 1A (DFNB1A). Also called: GJB2-Related Autosomal Recessive Nonsyndromic Hearing Loss; GJB6-Related DFNB 1 Nonsyndromic Hearing Loss and Deafness; Connexin 26 deafness; Deafness nonsyndromic, Connexin 26 linked; Nonsyndromic Hearing Loss and Deafness, DFNB1; Deafness, autosomal recessive 1A. Identifiers: Orphanet 90636, MedGen C2673759, MONDO:0009076, OMIM 220290.
Ichthyosis, hystrix-like, with hearing loss. Also called: Hystrix-like ichthyosis with deafness. Identifiers: Orphanet 477, MedGen C1865234, MONDO:0011245.
Autosomal dominant nonsyndromic hearing loss 3A. Identifiers: Orphanet 90635, MedGen C2675750, MONDO:0011103, OMIM 601544.
Nonsyndromic genetic hearing loss. Also called: Nonsyndromic hearing loss and deafness; Non-syndromic genetic deafness; Nonsyndromic genetic deafness. Identifiers: Orphanet 87884, MedGen C5680182, MONDO:0019497.

Allele frequency attached by ClinVar (database versions not stated): 1000 Genomes Project 30x 0.00016; gnomAD exomes 0.00090.
gnomAD v4.1: 7 of 153,340 alleles (0.0046%); highest among the groups gnomAD compares: South Asian, 0.13%; no homozygotes.

Submissions (10):

Natera, Inc.
Classification: Likely pathogenic for Autosomal recessive deafness type 1A. Last evaluated: 2025-11-25. Review status: criteria provided, single submitter. Criteria: Natera Variant Classification Schema (03/2026). Collection method: clinical testing. Allele origin: germline.
Comment: The c.-23G>T variant in GJB2 is a 5' untranslated region (UTR) variant located upstream of the translation start codon. This variant is rare in the general population with a frequency below the threshold expected for the associated phenotype(s). This variant has been observed in one or more individuals affected with the associated recessive disease, as either homozygous or compound heterozygous with a second variant (PMID: 18941476). This variant has been identified in one or more affected individuals with a phenotype highly consistent with the associated gene (PMID: 18941476). This variant is located in a functionally critical region of the protein. Computational prediction algorithms indicate this variant is likely to affect gene or protein function. Given the available evidence, this variant is classified as Likely Pathogenic.

Myriad Genetics, Inc.
Classification: Likely pathogenic for Nonsyndromic genetic hearing loss. Last evaluated: 2025-02-27. Review status: criteria provided, single submitter. Criteria: Myriad Autosomal Dominant, Autosomal Recessive and X-Linked Classification Criteria (2023). Collection method: clinical testing. Allele origin: unknown.
Comment: NM_004004.5(GJB2):c.-23G>T is a 5' non-coding variant classified as likely pathogenic in the context of GJB2-related DFNB1 nonsyndromic hearing loss and deafness. c.-23G>T has been observed in cases with relevant disease (PMID: 18941476, 38378725, Tilton_2014_(Poster)). Relevant functional assessments of this variant are not available in the literature. c.-23G>T has not been observed in referenced population frequency databases. In summary, NM_004004.5(GJB2):c.-23G>T is a 5' non-coding variant that has been observed more frequently in cases with the relevant disease than in healthy populations. Please note: this variant was assessed in the context of healthy population screening.

Blueprint Genetics
Classification: Likely pathogenic for GJB2-related disorders. Last evaluated: 2024-06-14. Review status: criteria provided, single submitter. Criteria: ACMG Guidelines, 2015. Collection method: clinical testing. Allele origin: germline. Affected: yes. Observed: 3 variant alleles.

Fulgent Genetics
Classification: Likely pathogenic for Mutilating keratoderma; Autosomal dominant keratitis-ichthyosis-hearing loss syndrome; Palmoplantar keratoderma-deafness syndrome; Knuckle pads, deafness AND leukonychia syndrome; Autosomal recessive nonsyndromic hearing loss 1A; Autosomal dominant nonsyndromic hearing loss 3A. Last evaluated: 2024-06-12. Review status: criteria provided, single submitter. Criteria: ACMG Guidelines, 2015. Collection method: clinical testing. Allele origin: germline.

Women's Health and Genetics/Laboratory Corporation of America, LabCorp
Classification: Likely pathogenic for Nonsyndromic genetic hearing loss. Last evaluated: 2023-12-15. Review status: criteria provided, single submitter. Criteria: LabCorp Variant Classification Summary - May 2015. Collection method: clinical testing. Allele origin: germline.
Comment: Variant summary: GJB2 c.-23G>T is located in the untranslated mRNA region upstream of the initiation codon. Several computational tools predict a significant impact on normal splicing: Four predict the variant weakens a 5' donor site. One predict the variant abolishes a 5' splicing donor site. Three predict the variant abolishes a 3' acceptor site. However, these predictions have yet to be confirmed by functional studies. The variant was absent in 31290 control chromosomes. c.-23G>T has been reported in the literature in compound heterozygosity with another variant in at least one individual affected with Non-Syndromic Hearing Loss (e.g. Mani_2009). These data do not allow any conclusion about variant significance. However, several other variants located within this splicing region have previously been reported as pathogenic by our laboratory (e.g. c.-22-2A>C and c.-23+1G>A) and this variant (c.-23G>T) has been reported as a "pathogenic" mutation by multiple subsequent publications (e.g. Kim_2016, Han_2019). To our knowledge, no experimental evidence demonstrating an impact on protein function has been reported. The following publications have been ascertained in the context of this evaluation (PMID: 22567369, 18941476, 27057829, 30733538, 29311818, No_PMID). Four submitters have cited clinical-significance assessments for this variant to ClinVar after 2014. All submitters classified the variant as pathogenic/likely pathogenic. Based on the evidence outlined above, the variant was classified as likely pathogenic.

Department of Pathology and Laboratory Medicine, Sinai Health System
Classification: Uncertain significance for Knuckle pads, deafness AND leukonychia syndrome; Mutilating keratoderma; Palmoplantar keratoderma-deafness syndrome. Last evaluated: 2023-01-13. Review status: criteria provided, single submitter. Criteria: ACMG Guidelines, 2015. Collection method: research. Allele origin: germline.

Laboratory for Molecular Medicine, Mass General Brigham Personalized Medicine
Classification: Likely pathogenic for Rare genetic deafness. Last evaluated: 2022-08-26. Review status: criteria provided, single submitter. Criteria: ACMG Guidelines, 2015. Collection method: clinical testing. Allele origin: germline. Inheritance: Autosomal recessive inheritance.
Comment: The c.-23G>T variant in GJB2 has been previously reported in 2 individuals with hearing loss who were compound heterozygous with another pathogenic variant in GJB2 (Mani 2009 PMID: 18941476, Tilton 2014 [conference abstract], LMM unpublished data), and was absent in 192 control chromosomes (Mani 2009 PMID: 18941476). This variant has been identified in 6/4836 (0.1%) South Asian chromosomes chromosomes by the Genome Aggregation Database (gnomAD). This variant is located in the last base of the exon, which is part of the 5’ splice region, and computational tools suggest an impact to splicing. In summary, although additional studies are required to fully establish its clinical significance, the c.-23G>T variant is likely pathogenic. ACMG/AMP criteria applied: PM3_Strong, PP3.

Victorian Clinical Genetics Services, Murdoch Childrens Research Institute
Classification: Uncertain significance for Autosomal recessive nonsyndromic hearing loss 1A. Last evaluated: 2022-02-02. Review status: criteria provided, single submitter. Criteria: ACMG Guidelines, 2015. Collection method: clinical testing. Allele origin: germline.
Comment: Based on the classification scheme VCGS_Germline_v1.3.4, this variant is classified as 3A-VUS. Following criteria are met: 0102 - Loss of function is a known mechanism of disease in this gene and is associated with both deafness and skin conditions (OMIM). Dominant negative is also a suggested mechanism (PMID: 28428247). (I) 0108 - This gene is associated with both recessive and dominant disease. The autosomal dominant diseases are commonly associated with pathogenic missense variants. The autosomal recessive disease is associated with bi-allelic loss-of-function variants and includes missense and protein truncating variants (NIH Genetics Home Reference, PMID: 12792423). (I) 0112 - The condition associated with this gene has incomplete penetrance (PMID:31160754). (I) 0212 - This variant affects the last nucleotide of GJB2 exon 1 which is located in the non-coding 5'UTR region. However, it has also been described as a non-canonical splice site variant without proven consequence on splicing (no functional evidence available). (SP) 0251 - This variant is heterozygous. (I) 0304 - Variant is present in gnomAD (v3) <0.01 (6 heterozygotes, 0 homozygotes). (SP) 0311 - An alternative nucleotide change at the same splice region is present in gnomAD (v3) at a frequency of 0.00002 (3 heterozygotes, 0 homozygotes). (SB) 0508 - In silico predictions for abnormal splicing are inconclusive. Abnormal splicing has been predicted by only one of two in silico tools and the nucleotide is poorly conserved. (I) 0705 - No comparable splice region variants have previous evidence for pathogenicity. (I) 0802 - This variant has moderate previous evidence of pathogenicity in unrelated individuals. This variant has been reported to be compound heterozygous in one individual with non-syndromic sensorineural hearing loss and has been classified as likely pathogenic or pathogenic by three clinical diagnostic laboratories (ClinVar, PMID: 18941476). (SP) 0905 - No published segregation evidence has been identified for this variant. (I) 1007 - No published functional evidence has been identified for this variant. (I) 1208 - Inheritance information for this variant is not currently available in this individual. (I) Legend: (SP) - Supporting pathogenic, (I) - Information, (SB) - Supporting benign

Clinical Molecular Genetics Laboratory, Johns Hopkins All Children's Hospital
Classification: Pathogenic for Hearing loss. Last evaluated: 2017-06-02. Review status: no assertion criteria provided. Collection method: clinical testing. Allele origin: germline. Affected: yes. Not counted in ClinVar's aggregate classification.

Counsyl
Classification: Likely pathogenic for Deafness, autosomal recessive 1A. Last evaluated: 2015-01-26. Review status: no assertion criteria provided. Collection method: literature only. Allele origin: unknown. Inheritance: Autosomal recessive inheritance. Not counted in ClinVar's aggregate classification.

Literature cited by the submitters: PubMed 18941476 (cited by 5 submitters); PubMed 22567369 (cited by Women's Health and Genetics/Laboratory Corporation of America, LabCorp); PubMed 27057829 (cited by Women's Health and Genetics/Laboratory Corporation of America, LabCorp); PubMed 30733538 (cited by Women's Health and Genetics/Laboratory Corporation of America, LabCorp); PubMed 29311818 (cited by Women's Health and Genetics/Laboratory Corporation of America, LabCorp); PubMed 12792423 (cited by Victorian Clinical Genetics Services, Murdoch Childrens Research Institute); PubMed 28428247 (cited by Victorian Clinical Genetics Services, Murdoch Childrens Research Institute); PubMed 31160754 (cited by Victorian Clinical Genetics Services, Murdoch Childrens Research Institute).